The following is an entry in ClinVar:

ClinVar aggregate classification (germline): Benign/Likely benign. Review status: criteria provided, multiple submitters, no conflicts (2 of 4 stars). 11 submissions from 11 submitters: Benign (8); Likely benign (1). 2 of the submissions do not count toward it. Last evaluated 2026-02-04.

Conditions:
Purine-nucleoside phosphorylase deficiency. Also called: Immunodeficiency due to purine nucleoside phosphorylase deficiency; NUCLEOSIDE PHOSPHORYLASE DEFICIENCY. Identifiers: Orphanet 760, MedGen C0268125, MONDO:0013171, OMIM 613179.

Allele frequency attached by ClinVar (database versions not stated): gnomAD exomes 0.18911 and 0.20066; ExAC 0.19433; 1000 Genomes Project 0.20228; 1000 Genomes Project 30x 0.20737; gnomAD 0.22659 and 0.23096; TOPMed 0.23137; ESP Exome Variant Server 0.24089.
gnomAD v4.1: 326,956 of 1,609,246 alleles (20%); highest among the groups gnomAD compares: African/African-American, 32%; 34,698 homozygotes.

Submissions (11):

Labcorp Genetics (formerly Invitae), Labcorp
Classification: Benign for Purine-nucleoside phosphorylase deficiency. Last evaluated: 2026-02-04. Review status: criteria provided, single submitter. Criteria: Invitae Variant Classification Sherloc (09022015). Collection method: clinical testing. Allele origin: germline.

Blueprint Genetics
Classification: Likely benign. Last evaluated: 2024-11-27. Review status: criteria provided, single submitter. Criteria: ACMG Guidelines, 2015. Collection method: clinical testing. Allele origin: germline.

Unidad de Genómica Garrahan, Hospital de Pediatría Garrahan
Classification: Benign. Last evaluated: 2024-01-24. Review status: criteria provided, single submitter. Criteria: ACMG Guidelines, 2015. Collection method: clinical testing. Allele origin: germline. Affected: no. Observed: 34 variant alleles.
Comment: This variant is classified as Benign based on local population frequency. This variant was detected in 36% of patients studied by a panel of primary immunodeficiencies. Number of patients: 34. Only high quality variants are reported.

Mayo Clinic Laboratories, Mayo Clinic
Classification: Benign. Last evaluated: 2022-03-24. Review status: criteria provided, single submitter. Criteria: ACMG Guidelines, 2015. Collection method: clinical testing. Allele origin: germline. Observed: 155 variant alleles.

Genome-Nilou Lab
Classification: Benign for Purine-nucleoside phosphorylase deficiency. Last evaluated: 2021-10-25. Review status: criteria provided, single submitter. Criteria: ACMG Guidelines, 2015. Collection method: clinical testing. Allele origin: germline. Affected: no.

Illumina Laboratory Services, Illumina
Classification: Benign for Purine-nucleoside phosphorylase deficiency. Last evaluated: 2018-01-13. Review status: criteria provided, single submitter. Criteria: ICSL Variant Classification Criteria 13 December 2019. Collection method: clinical testing. Allele origin: germline.
Comment: This variant was observed in the ICSL laboratory as part of a predisposition screen in an ostensibly healthy population. It had not been previously curated by ICSL or reported in the Human Gene Mutation Database (HGMD: prior to June 1st, 2018), and was therefore a candidate for classification through an automated scoring system. Utilizing variant allele frequency, disease prevalence and penetrance estimates, and inheritance mode, an automated score was calculated to assess if this variant is too frequent to cause the disease. Based on the score and internal cut-off values, a variant classified as benign is not then subjected to further curation. The score for this variant resulted in a classification of benign for this disease.

Laboratory for Molecular Medicine, Mass General Brigham Personalized Medicine
Classification: Benign. Last evaluated: 2016-03-28. Review status: criteria provided, single submitter. Criteria: LMM Criteria. Collection method: clinical testing. Allele origin: germline.
Comment: Variant identified in a genome or exome case(s) and assessed due to predicted null impact of the variant or pathogenic assertions in the literature or databases. Disclaimer: This variant has not undergone full assessment. The following are preliminary notes: Frequency

GeneDx
Classification: Benign. Last evaluated: 2015-03-03. Review status: criteria provided, single submitter. Criteria: GeneDx Variant Classification Process June 2021. Collection method: clinical testing. Allele origin: germline. Affected: yes.

Breakthrough Genomics
Classification: Benign. Review status: criteria provided, single submitter. Criteria: ACMG Guidelines, 2015. Collection method: not provided. Allele origin: germline. Inheritance: Autosomal recessive inheritance. Affected: yes.

Clinical Genetics, Academic Medical Center
Classification: Benign. Review status: no assertion criteria provided. Collection method: clinical testing. Allele origin: germline. Affected: yes. Study: VKGL Data-share Consensus. Not counted in ClinVar's aggregate classification.

Diagnostic Laboratory, Department of Genetics, University Medical Center Groningen
Classification: Benign for Purine-nucleoside phosphorylase deficiency. Review status: no assertion criteria provided. Collection method: clinical testing. Allele origin: germline. Affected: yes. Study: VKGL Data-share Consensus. Not counted in ClinVar's aggregate classification.

NM_000270.4(PNP):c.285+10A>G

Gene: PNP (purine nucleoside phosphorylase; plus strand). Cytogenetic location: 14q11.2.
Variant type: single nucleotide variant.
Coding change: c.285+10A>G on transcript NM_000270.4 (MANE Select); 10 bases into the intron after coding-DNA position 285, A replaced by G.
Molecular consequence: intron variant.
Genome position (GRCh38, 1-based): chr14:20,474,585, A>G. VCF-style: chr14-20474585-A-G. GRCh37 (hg19) VCF-style: chr14-20942744-A-G.
Other names: p.?.
Identifiers: ClinVar variation 312730 (VCV000312730.26), dbSNP rs1713420, ClinGen allele CA7082064.